The following is an entry in ClinVar:

NM_000124.4(ERCC6):c.993C>T (p.His331=)

Gene: ERCC6 (ERCC excision repair 6, chromatin remodeling factor; minus strand). Cytogenetic location: 10q11.23.
Variant type: single nucleotide variant.
Coding change: c.993C>T on transcript NM_000124.4 (MANE Select); coding-DNA position 993, C replaced by T.
Protein change: p.His331=; no amino-acid change (histidine 331 retained).
Molecular consequence: synonymous variant.
Genome position (GRCh38, 1-based): chr10:49,524,437, G>A on the plus strand (C>T on the coding strand, the complement: ERCC6 is on the minus strand). VCF-style: chr10-49524437-G-A. GRCh37 (hg19) VCF-style: chr10-50732483-G-A.
Other names: c.993C>T, p.His331= (NM_001277058.2, NM_001277059.2, NM_001346440.2); c.993C>T (NM_000124.3).
Identifiers: ClinVar variation 1078041 (VCV001078041.11), dbSNP rs1192651141, ClinGen allele CA469790946.
Genomic context (GRCh38, chr10:49,524,437, plus strand): 5'-TGCCTTTGGCAATCCCACTTTCCCCTGGAACTGCAAAGCCCTCTTCTGGAGTTTCTTGAT[G>A]TGCTTTTTCAAACGCTCCTCTTTTTTGGACAGAACTCTGGCTTTCTTGTTTGGTTTGTTT-3'
Protein context (NP_000115.1, residues 321-341): LSKKEERLKK[His331=]IKKLQKRALQ

ClinVar aggregate classification (germline): Likely benign. Review status: criteria provided, single submitter (1 of 4 stars). 2 submissions from 2 submitters: Likely benign (1). 1 of the submissions does not count toward it. Last evaluated 2023-10-23.

Conditions:
ERCC6-related disorder. Also called: ERCC6-related condition; ERCC6-related disorders. Identifiers: MedGen CN239385.

Allele frequency attached by ClinVar (database versions not stated): gnomAD 0.00001; gnomAD exomes 0.00002.
gnomAD v4.1: 13 of 1,614,082 alleles (0.00081%); highest among the groups gnomAD compares: African/African-American, 0.0013%; no homozygotes.

Submissions (2):

Labcorp Genetics (formerly Invitae), Labcorp
Classification: Likely benign. Last evaluated: 2023-10-23. Review status: criteria provided, single submitter. Criteria: Invitae Variant Classification Sherloc (09022015). Collection method: clinical testing. Allele origin: germline.

PreventionGenetics, part of Exact Sciences
Classification: Likely benign for ERCC6-related condition. Last evaluated: 2024-01-03. Review status: no assertion criteria provided. Collection method: clinical testing. Allele origin: germline. Not counted in ClinVar's aggregate classification.
Comment: This variant is classified as likely benign based on ACMG/AMP sequence variant interpretation guidelines (Richards et al. 2015 PMID: 25741868, with internal and published modifications).